The following is an entry in ClinVar:

NM_000222.3(KIT):c.1641T>C (p.Tyr547=)

Gene: KIT (KIT proto-oncogene, receptor tyrosine kinase; plus strand). Cytogenetic location: 4q12.
Variant type: single nucleotide variant.
Coding change: c.1641T>C on transcript NM_000222.3 (MANE Select); coding-DNA position 1641, T replaced by C.
Protein change: p.Tyr547=; no amino-acid change (tyrosine 547 retained).
Molecular consequence: synonymous variant.
Genome position (GRCh38, 1-based): chr4:54,727,318, T>C. VCF-style: chr4-54727318-T-C. GRCh37 (hg19) VCF-style: chr4-55593484-T-C.
Other names: c.1629T>C, p.Tyr543= (NM_001093772.2, NM_001385286.1); c.1644T>C, p.Tyr548= (NM_001385284.1, NM_001385290.1); c.1641T>C, p.Tyr547= (NM_001385285.1); c.1632T>C, p.Tyr544= (NM_001385288.1, NM_001385292.1).
Identifiers: ClinVar variation 528639 (VCV000528639.14), dbSNP rs746718824, ClinGen allele CA2923540.

ClinVar aggregate classification (germline): Benign/Likely benign. Review status: criteria provided, multiple submitters, no conflicts (2 of 4 stars). 3 submissions from 3 submitters: Benign (1); Likely benign (2). Last evaluated 2026-06-04.

Conditions:
Hereditary cancer-predisposing syndrome. Also called: Hereditary neoplastic syndrome; Neoplastic Syndromes, Hereditary; Hereditary Cancer Syndrome; Tumor predisposition. Identifiers: Orphanet 140162, MedGen C0027672, MeSH D009386, MONDO:0015356.
Gastrointestinal stromal tumor. Also called: Gastrointestinal stromal tumor, somatic; Gastrointestinal stroma tumor. Identifiers: Orphanet 44890, MedGen C0238198, MeSH D046152, MONDO:0011719, OMIM 606764, HP:0100723.

Allele frequency attached by ClinVar (database versions not stated): gnomAD 0.00001; TOPMed 0.00001; gnomAD exomes 0.00002 and 0.00005; ExAC 0.00004.
gnomAD v4.1: 36 of 1,613,660 alleles (0.0022%); highest among the groups gnomAD compares: South Asian, 0.035%; no homozygotes.

Submissions (3):

Myriad Genetics, Inc.
Classification: Benign for Gastrointestinal stromal tumor. Last evaluated: 2026-06-04. Review status: criteria provided, single submitter. Criteria: Myriad Autosomal Dominant, Autosomal Recessive and X-Linked Classification Criteria (2023). Collection method: clinical testing. Allele origin: unknown.
Comment: This variant is considered benign. This variant is a silent/synonymous amino acid change and it is not expected to impact splicing.

Labcorp Genetics (formerly Invitae), Labcorp
Classification: Likely benign for Gastrointestinal stromal tumor. Last evaluated: 2026-01-28. Review status: criteria provided, single submitter. Criteria: Invitae Variant Classification Sherloc (09022015). Collection method: clinical testing. Allele origin: germline.

Ambry Genetics
Classification: Likely benign for Hereditary cancer-predisposing syndrome. Last evaluated: 2020-03-26. Review status: criteria provided, single submitter. Criteria: Ambry Variant Classification Scheme 2023. Collection method: clinical testing. Allele origin: germline.